The following is an entry in ClinVar:

ClinVar aggregate classification (germline): Likely pathogenic (1 of 4 stars; one submission).

Conditions:
Marfan syndrome (MFS). Also called: MARFAN SYNDROME, TYPE I; Marfan syndrome type 1; Marfan's syndrome; Marfan syndrome, classic; FBN1-Related Marfan Syndrome. Identifiers: Orphanet 284963, Orphanet 558, MedGen C0024796, MONDO:0007947, OMIM 154700.
Familial thoracic aortic aneurysm and aortic dissection (TAAD). Also called: Thoracic aortic aneurysms and dissections. Identifiers: Orphanet 91387, MedGen C4707243, MONDO:0019625.

Submission:

Labcorp Genetics (formerly Invitae), Labcorp
Classification: Likely pathogenic for Marfan syndrome; Familial thoracic aortic aneurysm and aortic dissection. Last evaluated: 2022-12-17. Review status: criteria provided, single submitter. Criteria: Invitae Variant Classification Sherloc (09022015). Collection method: clinical testing. Allele origin: germline.
Comment: This variant is not present in population databases (gnomAD no frequency). This sequence change replaces glycine, which is neutral and non-polar, with alanine, which is neutral and non-polar, at codon 880 of the FBN1 protein (p.Gly880Ala). This variant has not been reported in the literature in individuals affected with FBN1-related conditions. In summary, the currently available evidence indicates that the variant is pathogenic, but additional data are needed to prove that conclusively. Therefore, this variant has been classified as Likely Pathogenic. This variant disrupts the p.Gly880 amino acid residue in FBN1. Other variant(s) that disrupt this residue have been determined to be pathogenic (Invitae). This suggests that this residue is clinically significant, and that variants that disrupt this residue are likely to be disease-causing. Advanced modeling of protein sequence and biophysical properties (such as structural, functional, and spatial information, amino acid conservation, physicochemical variation, residue mobility, and thermodynamic stability) performed at Invitae indicates that this missense variant is expected to disrupt FBN1 protein function.

NM_000138.5(FBN1):c.2639G>C (p.Gly880Ala)

Gene: FBN1 (fibrillin 1; minus strand). Cytogenetic location: 15q21.1.
Variant type: single nucleotide variant.
Coding change: c.2639G>C on transcript NM_000138.5 (MANE Select); coding-DNA position 2639, G replaced by C.
Protein change: p.Gly880Ala; replaces glycine 880 with alanine.
Molecular consequence: missense variant.
Genome position (GRCh38, 1-based): chr15:48,495,161, C>G on the plus strand (G>C on the coding strand, the complement: FBN1 is on the minus strand). VCF-style: chr15-48495161-C-G. GRCh37 (hg19) VCF-style: chr15-48787358-C-G.
Other names: c.2639G>C, p.Gly880Ala (NM_001406716.1); short protein forms G880A.
Identifiers: ClinVar variation 2942427 (VCV002942427.3), dbSNP rs886038953, ClinGen allele CA392332209.